The following is an entry in ClinVar:

ClinVar aggregate classification (germline): Uncertain significance (1 of 4 stars; one submission).

Conditions:
Charcot-Marie-Tooth disease axonal type 2O. Also called: Charcot-Marie-Tooth disease, axonal, type 20; CHARCOT-MARIE-TOOTH NEUROPATHY, AXONAL, TYPE 2O; CHARCOT-MARIE-TOOTH DISEASE, AXONAL, AUTOSOMAL DOMINANT, TYPE 2O; Charcot-Marie-Tooth Neuropathy Type 2O. Identifiers: Orphanet 284232, MedGen C3280220, MONDO:0013644, OMIM 614228.

gnomAD v4.1: 1 of 1,614,088 alleles (0.000062%); highest among the groups gnomAD compares: Non-Finnish European, 0.000085%; no homozygotes.

Submission:

Labcorp Genetics (formerly Invitae), Labcorp
Classification: Uncertain significance for Charcot-Marie-Tooth disease axonal type 2O. Last evaluated: 2024-06-12. Review status: criteria provided, single submitter. Criteria: Invitae Variant Classification Sherloc (09022015). Collection method: clinical testing. Allele origin: germline.
Comment: This sequence change replaces aspartic acid, which is acidic and polar, with asparagine, which is neutral and polar, at codon 504 of the DYNC1H1 protein (p.Asp504Asn). This variant is not present in population databases (gnomAD no frequency). This variant has not been reported in the literature in individuals affected with DYNC1H1-related conditions. Advanced modeling of protein sequence and biophysical properties (such as structural, functional, and spatial information, amino acid conservation, physicochemical variation, residue mobility, and thermodynamic stability) performed at Invitae indicates that this missense variant is not expected to disrupt DYNC1H1 protein function with a negative predictive value of 95%. In summary, the available evidence is currently insufficient to determine the role of this variant in disease. Therefore, it has been classified as a Variant of Uncertain Significance.

NM_001376.5(DYNC1H1):c.1510G>A (p.Asp504Asn)

Gene: DYNC1H1 (dynein cytoplasmic 1 heavy chain 1; plus strand). Cytogenetic location: 14q32.31.
Variant type: single nucleotide variant.
Coding change: c.1510G>A on transcript NM_001376.5 (MANE Select); coding-DNA position 1510, G replaced by A.
Protein change: p.Asp504Asn; replaces aspartic acid 504 with asparagine.
Molecular consequence: missense variant.
Genome position (GRCh38, 1-based): chr14:101,985,735, G>A. VCF-style: chr14-101985735-G-A. GRCh37 (hg19) VCF-style: chr14-102452072-G-A.
Other names: short protein forms D504N.
Identifiers: ClinVar variation 3710011 (VCV003710011.2).